The following is an entry in ClinVar:

NM_000548.5(TSC2):c.3028C>A (p.Gln1010Lys)

Gene: TSC2 (TSC complex subunit 2; plus strand). Cytogenetic location: 16p13.3.
Variant type: single nucleotide variant.
Coding change: c.3028C>A on transcript NM_000548.5 (MANE Select); coding-DNA position 3028, C replaced by A.
Protein change: p.Gln1010Lys; replaces glutamine 1010 with lysine.
Molecular consequence: missense variant. On other transcripts: non-coding transcript variant (5).
Genome position (GRCh38, 1-based): chr16:2,079,093, C>A. VCF-style: chr16-2079093-C-A. GRCh37 (hg19) VCF-style: chr16-2129094-C-A.
Other names: c.2896C>A, p.Gln966Lys (NM_001077183.3, NM_001370404.1, NM_001406665.1); c.3028C>A, p.Gln1010Lys (NM_001114382.3); c.2788C>A, p.Gln930Lys (NM_001318827.2); c.2752C>A, p.Gln918Lys (NM_001318829.2); c.2296C>A, p.Gln766Lys (NM_001318831.2, NM_001406687.1, NM_001406688.1); c.2929C>A, p.Gln977Lys (NM_001318832.2); c.2899C>A, p.Gln967Lys (NM_001363528.2, NM_001370405.1, NM_021055.3); c.3025C>A, p.Gln1009Lys (NM_001406663.1, NM_001406664.1); and 18 more; short protein forms Q518K, Q766K, Q961K, Q962K, Q963K, Q967K, Q977K, Q562K.
Identifiers: ClinVar variation 2450002 (VCV002450002.5), dbSNP rs45514100, ClinGen allele CA394283991.

ClinVar aggregate classification (germline): Uncertain significance. Review status: criteria provided, multiple submitters, no conflicts (2 of 4 stars). 2 submissions from 2 submitters: Uncertain significance (2). Last evaluated 2023-05-04.

Conditions:
Tuberous sclerosis 2 (TSC2). Identifiers: Orphanet 805, MedGen C1860707, MONDO:0013199, OMIM 613254.
Hereditary cancer-predisposing syndrome. Also called: Hereditary neoplastic syndrome; Tumor predisposition; Neoplastic Syndromes, Hereditary; Hereditary Cancer Syndrome. Identifiers: Orphanet 140162, MedGen C0027672, MeSH D009386, MONDO:0015356.

Submissions (2):

Labcorp Genetics (formerly Invitae), Labcorp
Classification: Uncertain significance for Tuberous sclerosis 2. Last evaluated: 2023-05-04. Review status: criteria provided, single submitter. Criteria: Invitae Variant Classification Sherloc (09022015). Collection method: clinical testing. Allele origin: germline.
Comment: ClinVar contains an entry for this variant (Variation ID: 2450002). This variant has not been reported in the literature in individuals affected with TSC2-related conditions. This variant is not present in population databases (gnomAD no frequency). This sequence change replaces glutamine, which is neutral and polar, with lysine, which is basic and polar, at codon 1010 of the TSC2 protein (p.Gln1010Lys). Advanced modeling of protein sequence and biophysical properties (such as structural, functional, and spatial information, amino acid conservation, physicochemical variation, residue mobility, and thermodynamic stability) performed at Invitae indicates that this missense variant is not expected to disrupt TSC2 protein function. In summary, the available evidence is currently insufficient to determine the role of this variant in disease. Therefore, it has been classified as a Variant of Uncertain Significance.

Ambry Genetics
Classification: Uncertain significance for Hereditary cancer-predisposing syndrome. Last evaluated: 2023-03-03. Review status: criteria provided, single submitter. Criteria: Ambry Variant Classification Scheme 2023. Collection method: clinical testing. Allele origin: germline.
Comment: The p.Q1010K variant (also known as c.3028C>A), located in coding exon 26 of the TSC2 gene, results from a C to A substitution at nucleotide position 3028. The glutamine at codon 1010 is replaced by lysine, an amino acid with similar properties. This amino acid position is conserved. In addition, this alteration is predicted to be deleterious by in silico analysis. Since supporting evidence is limited at this time, the clinical significance of this alteration remains unclear.